The following is an entry in ClinVar:

ClinVar aggregate classification (germline): Conflicting classifications of pathogenicity. Review status: criteria provided, conflicting classifications (1 of 4 stars). 6 submissions from 6 submitters: Uncertain significance (4); Likely benign (2). Last evaluated 2026-03-02.

Conditions:
Cardiovascular phenotype. Identifiers: MedGen CN230736.
Hypertrichotic osteochondrodysplasia Cantu type. Also called: Cantú Syndrome; Cantu Syndrome. Identifiers: Orphanet 1517, MedGen C0795905, MONDO:0009406, OMIM 239850.
Intellectual disability and myopathy syndrome (IDMYS). Identifiers: MedGen C5676904, MONDO:0859224, OMIM 619719.
Atrial fibrillation, familial, 12 (ATFB12). Identifiers: MedGen C3279695, MONDO:0013545, OMIM 614050.
Dilated cardiomyopathy 1O (CMD1O). Also called: CARDIOMYOPATHY, DILATED, WITH VENTRICULAR TACHYCARDIA. Identifiers: Orphanet 154, MedGen C1837839, MONDO:0012062, OMIM 608569.

Allele frequency attached by ClinVar (database versions not stated): gnomAD 0.00005 and 0.00007; TOPMed 0.00006.
gnomAD v4.1: 56 of 1,613,842 alleles (0.0035%); highest among the groups gnomAD compares: East Asian, 0.065%; no homozygotes.

Submissions (6):

GeneDx
Classification: Uncertain significance. Last evaluated: 2026-03-02. Review status: criteria provided, single submitter. Criteria: GeneDx Variant Classification Process June 2021. Collection method: clinical testing. Allele origin: germline. Affected: yes.
Comment: Identified in a patient with Brugada syndrome in published literature (PMID: 34546463); In silico analysis suggests that this missense variant does not alter protein structure/function; Reported using an alternate transcript of the gene; This variant is associated with the following publications: (PMID: 34546463)

Labcorp Genetics (formerly Invitae), Labcorp
Classification: Uncertain significance for Dilated cardiomyopathy 1O. Last evaluated: 2026-01-13. Review status: criteria provided, single submitter. Criteria: Invitae Variant Classification Sherloc (09022015). Collection method: clinical testing. Allele origin: germline.
Comment: This sequence change replaces alanine, which is neutral and non-polar, with threonine, which is neutral and polar, at codon 1535 of the ABCC9 protein (p.Ala1535Thr). This variant is present in population databases (rs542730918, gnomAD 0.07%). This missense change has been observed in individual(s) with Brugada syndrome (PMID: 34546463). ClinVar contains an entry for this variant (Variation ID: 197035). Invitae Evidence Modeling of protein sequence and biophysical properties (such as structural, functional, and spatial information, amino acid conservation, physicochemical variation, residue mobility, and thermodynamic stability) has been performed for this missense variant. However, the output from this modeling did not meet the statistical confidence thresholds required to predict the impact of this variant on ABCC9 protein function. In summary, the available evidence is currently insufficient to determine the role of this variant in disease. Therefore, it has been classified as a Variant of Uncertain Significance.

Blueprint Genetics
Classification: Likely benign. Last evaluated: 2023-09-20. Review status: criteria provided, single submitter. Criteria: ACMG Guidelines, 2015. Collection method: clinical testing. Allele origin: germline.

Fulgent Genetics
Classification: Uncertain significance for Hypertrichotic osteochondrodysplasia Cantu type; Dilated cardiomyopathy 1O; Atrial fibrillation, familial, 12; Intellectual disability and myopathy syndrome. Last evaluated: 2021-10-25. Review status: criteria provided, single submitter. Criteria: ACMG Guidelines, 2015. Collection method: clinical testing. Allele origin: unknown.

Ambry Genetics
Classification: Likely benign for Cardiovascular phenotype. Last evaluated: 2021-04-01. Review status: criteria provided, single submitter. Criteria: Ambry Variant Classification Scheme 2023. Collection method: clinical testing. Allele origin: germline.

Eurofins Ntd Llc (ga)
Classification: Uncertain significance. Last evaluated: 2014-09-01. Review status: criteria provided, single submitter. Criteria: EGL Classification Definitions 2015. Collection method: clinical testing. Allele origin: germline. Observed: 1 variant allele, 1 heterozygote.

Literature cited by the submitters: PubMed 34546463 (cited by Labcorp Genetics (formerly Invitae), Labcorp); PubMed 30177324 (cited by Ambry Genetics).

NM_020297.4(ABCC9):c.4512+777G>A

Genes: KCNJ8-AS1 (KCNJ8 antisense RNA 1; plus strand), ABCC9 (ATP binding cassette subfamily C member 9; minus strand). Cytogenetic location: 12p12.1.
Variant type: single nucleotide variant.
Coding change: c.4512+777G>A on transcript NM_020297.4 (MANE Select); 777 bases into the intron after coding-DNA position 4512, G replaced by A.
Molecular consequence: intron variant. On other transcripts: missense variant (1).
Genome position (GRCh38, 1-based): chr12:21,805,221, C>T on the plus strand (G>A on the coding strand, the complement: ABCC9 is on the minus strand). VCF-style: chr12-21805221-C-T. GRCh37 (hg19) VCF-style: chr12-21958155-C-T.
Other names: c.4603G>A (NM_005691.3); c.4603G>A, p.Ala1535Thr (NM_005691.4); c.3645+777G>A (NM_001377274.1); c.4512+777G>A (NM_001377273.1); short protein forms A1535T.
Identifiers: ClinVar variation 197035 (VCV000197035.20), dbSNP rs542730918, ClinGen allele CA244934.